The following is an entry in ClinVar:

ClinVar aggregate classification (germline): Pathogenic (1 of 4 stars; one submission).

Conditions:
Hereditary cancer-predisposing syndrome. Also called: Neoplastic Syndromes, Hereditary; Hereditary neoplastic syndrome; Tumor predisposition; Hereditary Cancer Syndrome. Identifiers: Orphanet 140162, MedGen C0027672, MeSH D009386, MONDO:0015356.

Submission:

Ambry Genetics
Classification: Pathogenic for Hereditary cancer-predisposing syndrome. Last evaluated: 2026-03-02. Review status: criteria provided, single submitter. Criteria: Ambry Variant Classification Scheme 2023. Collection method: clinical testing. Allele origin: germline.
Comment: The c.1822_1823dupGA pathogenic mutation, located in coding exon 10 of the DICER1 gene, results from a duplication of GA at nucleotide positions 1822 to 1823, causing a translational frameshift with a predicted alternate stop codon (p.D608Efs*10).This variant is considered to be rare based on population cohorts in the Genome Aggregation Database (gnomAD). This variant is expected to result in loss of function by premature protein truncation or nonsense-mediated mRNA decay. As such, this variant is interpreted as a disease-causing mutation.

NM_177438.3(DICER1):c.1822_1823dup (p.Asp608fs)

Gene: DICER1 (dicer 1, ribonuclease III; minus strand). Cytogenetic location: 14q32.13.
Variant type: Duplication.
Coding change: c.1822_1823dup on transcript NM_177438.3 (MANE Select); coding-DNA positions 1822 to 1823, 2 bases duplicated (GA; older notation c.1822_1823dupGA).
Protein change: p.Asp608fs; shifts the reading frame from aspartic acid 608.
Molecular consequence: frameshift variant. On other transcripts: non-coding transcript variant (6).
Genome position (GRCh38, 1-based): chr14:95,115,751-95,115,752, TC duplicated on the plus strand (GA on the coding strand, the reverse complement: DICER1 is on the minus strand). VCF-style (leftmost placement, unchanged base first): chr14-95115750-A-ATC. GRCh37 (hg19) VCF-style: chr14-95582087-A-ATC.
Other names: c.1822_1823dup, p.Asp608fs (NM_001195573.1, NM_001271282.3, NM_001291628.2 and 12 more transcripts); c.1540_1541dup, p.Asp514fs (NM_001395686.1); c.1417_1418dup, p.Asp473fs (NM_001395687.1, NM_001395688.1, NM_001395689.1 and 3 more transcripts); c.1255_1256dup, p.Asp419fs (NM_001395691.1); c.139_140dup, p.Asp47fs (NM_001395697.1); c.1822_1823dupGA (NM_177438.2); short protein forms D419fs, D47fs, D514fs, D608fs, D473fs.
Identifiers: ClinVar variation 4824647 (VCV004824647.1).